The following is an entry in ClinVar:

ClinVar aggregate classification (germline): Uncertain significance (1 of 4 stars; one submission).

Conditions:
MHC class I deficiency. Identifiers: Orphanet 34592, MedGen C6024714, MONDO:0011476.

Submission:

Labcorp Genetics (formerly Invitae), Labcorp
Classification: Uncertain significance for MHC class I deficiency 1. Last evaluated: 2024-07-02. Review status: criteria provided, single submitter. Criteria: Invitae Variant Classification Sherloc (09022015). Collection method: clinical testing. Allele origin: germline.
Comment: This sequence change replaces threonine, which is neutral and polar, with serine, which is neutral and polar, at codon 490 of the TAP2 protein (p.Thr490Ser). This variant is not present in population databases (gnomAD no frequency). This variant has not been reported in the literature in individuals affected with TAP2-related conditions. Algorithms developed to predict the effect of missense changes on protein structure and function output the following: SIFT: "Not Available"; PolyPhen-2: "Not Available"; Align-GVGD: "Not Available". The serine amino acid residue is found in multiple mammalian species, which suggests that this missense change does not adversely affect protein function. In summary, the available evidence is currently insufficient to determine the role of this variant in disease. Therefore, it has been classified as a Variant of Uncertain Significance.

NM_001290043.2(TAP2):c.1468A>T (p.Thr490Ser)

Gene: TAP2 (transporter 2, ATP binding cassette subfamily B member; minus strand). Cytogenetic location: 6p21.32.
Variant type: single nucleotide variant.
Coding change: c.1468A>T on transcript NM_001290043.2 (MANE Select); coding-DNA position 1468, A replaced by T.
Protein change: p.Thr490Ser; replaces threonine 490 with serine.
Molecular consequence: missense variant.
Genome position (GRCh38, 1-based): chr6:32,830,434, T>A on the plus strand (A>T on the coding strand, the complement: TAP2 is on the minus strand). VCF-style: chr6-32830434-T-A. GRCh37 (hg19) VCF-style: chr6-32798211-T-A.
Other names: c.1468A>T, p.Thr490Ser (NM_018833.3); short protein forms T490S.
Identifiers: ClinVar variation 3627989 (VCV003627989.2).